The following is an entry in ClinVar:

NM_003482.4(KMT2D):c.10441-9T>A

Gene: KMT2D (lysine methyltransferase 2D; minus strand). Cytogenetic location: 12q13.12.
Variant type: single nucleotide variant.
Coding change: c.10441-9T>A on transcript NM_003482.4 (MANE Select); 9 bases into the intron before coding-DNA position 10441, T replaced by A.
Molecular consequence: intron variant.
Genome position (GRCh38, 1-based): chr12:49,034,485, A>T on the plus strand (T>A on the coding strand, the complement: KMT2D is on the minus strand). VCF-style: chr12-49034485-A-T. GRCh37 (hg19) VCF-style: chr12-49428268-A-T.
Identifiers: ClinVar variation 586146 (VCV000586146.12), dbSNP rs572158148, ClinGen allele CA6546503.

ClinVar aggregate classification (germline): Benign. Review status: criteria provided, multiple submitters, no conflicts (2 of 4 stars). 4 submissions from 4 submitters: Benign (3). 1 of the submissions does not count toward it. Last evaluated 2025-11-22.

Conditions:
Kabuki syndrome. Also called: Kabuki make-up syndrome; NIIKAWA-KUROKI SYNDROME. Identifiers: Orphanet 2322, MedGen C0796004, MONDO:0016512.
KMT2D-related disorder. Also called: KMT2D-Related Disorders.

Allele frequency attached by ClinVar (database versions not stated): gnomAD below 0.00001 and 0.00030; TOPMed 0.00005; gnomAD exomes 0.00050 and 0.00107; ExAC 0.00113; 1000 Genomes Project 30x 0.00187; 1000 Genomes Project 0.00240.
gnomAD v4.1: 789 of 1,613,416 alleles (0.049%); highest among the groups gnomAD compares: South Asian, 0.82%; 13 homozygotes.

Submissions (4):

Labcorp Genetics (formerly Invitae), Labcorp
Classification: Benign for Kabuki syndrome. Last evaluated: 2025-11-22. Review status: criteria provided, single submitter. Criteria: Invitae Variant Classification Sherloc (09022015). Collection method: clinical testing. Allele origin: germline.

GeneDx
Classification: Benign. Last evaluated: 2020-02-01. Review status: criteria provided, single submitter. Criteria: GeneDx Variant Classification Process June 2021. Collection method: clinical testing. Allele origin: germline. Affected: yes.

Athena Diagnostics
Classification: Benign. Last evaluated: 2018-02-28. Review status: criteria provided, single submitter. Criteria: Athena Diagnostics Criteria. Collection method: clinical testing. Allele origin: germline.

PreventionGenetics, part of Exact Sciences
Classification: Benign for KMT2D-related condition. Last evaluated: 2019-05-23. Review status: no assertion criteria provided. Collection method: clinical testing. Allele origin: germline. Not counted in ClinVar's aggregate classification.
Comment: This variant is classified as benign based on ACMG/AMP sequence variant interpretation guidelines (Richards et al. 2015 PMID: 25741868, with internal and published modifications).